The following is an entry in ClinVar:

NM_000388.4(CASR):c.3058del (p.Glu1020fs)

Gene: CASR (calcium sensing receptor; plus strand). Cytogenetic location: 3q21.1.
Variant type: Deletion.
Coding change: c.3058del on transcript NM_000388.4 (MANE Select); coding-DNA position 3058, one base deleted (G; older notation c.3058delG).
Protein change: p.Glu1020fs; shifts the reading frame from glutamic acid 1020.
Molecular consequence: frameshift variant.
Genome position (GRCh38, 1-based): chr3:122,285,012, G deleted; the last of 4 consecutive G bases (chr3:122,285,009-122,285,012); deleting any one gives the same sequence. VCF-style (leftmost placement, unchanged base first): chr3-122285008-CG-C. GRCh37 (hg19) VCF-style: chr3-122003855-CG-C.
Other names: c.3088del, p.Glu1030fs (NM_001178065.2); short protein forms E1030fs, E1020fs.
Identifiers: ClinVar variation 2085220 (VCV002085220.4), dbSNP rs2473283528, ClinGen allele CA2580068670.

ClinVar aggregate classification (germline): Uncertain significance (1 of 4 stars; one submission).

Conditions:
Autosomal dominant hypocalcemia 1 (HYPOC1). Also called: HYPOCALCEMIA, FAMILIAL. Identifiers: MedGen C3715128, MONDO:0011013, OMIM 601198.
Familial hypocalciuric hypercalcemia (FHH). Also called: Familial benign hypercalcemia. Identifiers: Orphanet 405, MedGen C1809471, MONDO:0018458.

Submission:

Labcorp Genetics (formerly Invitae), Labcorp
Classification: Uncertain significance for Familial hypocalciuric hypercalcemia; Autosomal dominant hypocalcemia 1. Last evaluated: 2022-01-16. Review status: criteria provided, single submitter. Criteria: Invitae Variant Classification Sherloc (09022015). Collection method: clinical testing. Allele origin: germline.
Comment: In summary, the available evidence is currently insufficient to determine the role of this variant in disease. Therefore, it has been classified as a Variant of Uncertain Significance. Experimental studies and prediction algorithms are not available or were not evaluated, and the functional significance of this variant is currently unknown. This variant has not been reported in the literature in individuals affected with CASR-related conditions. This variant is not present in population databases (gnomAD no frequency). This sequence change creates a premature translational stop signal (p.Glu1020Lysfs*4) in the CASR gene. While this is not anticipated to result in nonsense mediated decay, it is expected to disrupt the last 59 amino acid(s) of the CASR protein.